The following is an entry in ClinVar:

ClinVar aggregate classification (germline): Uncertain significance. Review status: criteria provided, multiple submitters, no conflicts (2 of 4 stars). 2 submissions from 2 submitters: Uncertain significance (2). Last evaluated 2024-07-02.

Conditions:
Purine-nucleoside phosphorylase deficiency. Also called: NUCLEOSIDE PHOSPHORYLASE DEFICIENCY; Immunodeficiency due to purine nucleoside phosphorylase deficiency. Identifiers: Orphanet 760, MedGen C0268125, MONDO:0013171, OMIM 613179.

Allele frequency attached by ClinVar (database versions not stated): TOPMed 0.00002.
gnomAD v4.1: 50 of 1,614,086 alleles (0.0031%); highest among the groups gnomAD compares: Non-Finnish European, 0.0041%; no homozygotes.

Submissions (2):

Blueprint Genetics
Classification: Uncertain significance. Last evaluated: 2024-07-02. Review status: criteria provided, single submitter. Criteria: ACMG Guidelines, 2015. Collection method: clinical testing. Allele origin: germline.

Labcorp Genetics (formerly Invitae), Labcorp
Classification: Uncertain significance for Purine-nucleoside phosphorylase deficiency. Last evaluated: 2022-07-26. Review status: criteria provided, single submitter. Criteria: Invitae Variant Classification Sherloc (09022015). Collection method: clinical testing. Allele origin: germline.
Comment: This sequence change replaces arginine, which is basic and polar, with glutamine, which is neutral and polar, at codon 234 of the PNP protein (p.Arg234Gln). This variant is present in population databases (rs104894451, gnomAD 0.01%). This variant has not been reported in the literature in individuals affected with PNP-related conditions. ClinVar contains an entry for this variant (Variation ID: 1000043). Algorithms developed to predict the effect of missense changes on protein structure and function are either unavailable or do not agree on the potential impact of this missense change (SIFT: "Tolerated"; PolyPhen-2: "Possibly Damaging"; Align-GVGD: "Class C0"). This variant disrupts the p.Arg234 amino acid residue in PNP. Other variant(s) that disrupt this residue have been determined to be pathogenic (PMID: 1384322, 9067751, 22132981). This suggests that this residue is clinically significant, and that variants that disrupt this residue are likely to be disease-causing. In summary, the available evidence is currently insufficient to determine the role of this variant in disease. Therefore, it has been classified as a Variant of Uncertain Significance.

Literature cited by the submitters: PubMed 1384322 (cited by Labcorp Genetics (formerly Invitae), Labcorp); PubMed 9067751 (cited by Labcorp Genetics (formerly Invitae), Labcorp); PubMed 22132981 (cited by Labcorp Genetics (formerly Invitae), Labcorp).

NM_000270.4(PNP):c.701G>A (p.Arg234Gln)

Gene: PNP (purine nucleoside phosphorylase; plus strand). Cytogenetic location: 14q11.2.
Variant type: single nucleotide variant.
Coding change: c.701G>A on transcript NM_000270.4 (MANE Select); coding-DNA position 701, G replaced by A.
Protein change: p.Arg234Gln; replaces arginine 234 with glutamine.
Molecular consequence: missense variant.
Genome position (GRCh38, 1-based): chr14:20,476,432, G>A. VCF-style: chr14-20476432-G-A. GRCh37 (hg19) VCF-style: chr14-20944591-G-A.
Other names: short protein forms R234Q.
Identifiers: ClinVar variation 1000043 (VCV001000043.7), dbSNP rs104894451, ClinGen allele CA7082212.